The following is an entry in ClinVar:

NM_016166.3(PIAS1):c.1640_1644del (p.Pro547fs)

Gene: PIAS1 (protein inhibitor of activated STAT 1; plus strand). Cytogenetic location: 15q23.
Variant type: Microsatellite.
Coding change: c.1640_1644del on transcript NM_016166.3 (MANE Select); coding-DNA positions 1640 to 1644, 5 bases deleted (CTTTC; older notation c.1640_1644delCTTTC).
Protein change: p.Pro547fs; shifts the reading frame from proline 547.
Molecular consequence: frameshift variant.
Genome position (GRCh38, 1-based): chr15:68,183,645-68,183,649, CTTTC deleted; deleting any 5 consecutive bases within chr15:68,183,640-68,183,649 gives the same sequence; the c. name uses the placement nearest the transcript's 3' end. VCF-style (leftmost placement, unchanged base first): chr15-68183639-TCTTTC-T. GRCh37 (hg19) VCF-style: chr15-68475977-TCTTTC-T.
Other names: c.1646_1650del, p.Pro549fs (NM_001320687.1); short protein forms P549fs, P547fs.
Identifiers: ClinVar variation 1467784 (VCV001467784.6), dbSNP rs2093069906, ClinGen allele CA971047666.

ClinVar aggregate classification (germline): Uncertain significance (1 of 4 stars; one submission).

Submission:

Labcorp Genetics (formerly Invitae), Labcorp
Classification: Uncertain significance. Last evaluated: 2022-07-05. Review status: criteria provided, single submitter. Criteria: Invitae Variant Classification Sherloc (09022015). Collection method: clinical testing. Allele origin: germline.
Comment: This sequence change creates a premature translational stop signal (p.Pro547Leufs*23) in the PIAS1 gene. While this is not anticipated to result in nonsense mediated decay, it is expected to disrupt the last 105 amino acid(s) of the PIAS1 protein. This variant is not present in population databases (gnomAD no frequency). This variant has not been reported in the literature in individuals affected with PIAS1-related conditions. In summary, the available evidence is currently insufficient to determine the role of this variant in disease. Therefore, it has been classified as a Variant of Uncertain Significance.